The following is an entry in ClinVar:

ClinVar aggregate classification (germline): Uncertain significance (1 of 4 stars; one submission).

Conditions:
Long QT syndrome (LQTS). Identifiers: MedGen C0023976, MeSH D008133, MONDO:0002442. Disease mechanism: loss of function. Inheritance: Various modes of inheritance.

Allele frequency attached by ClinVar (database versions not stated): gnomAD exomes below 0.00001 and 0.00001.
gnomAD v4.1: 3 of 1,559,498 alleles (0.00019%); highest among the groups gnomAD compares: Non-Finnish European, 0.00026%; no homozygotes.

Submission:

Labcorp Genetics (formerly Invitae), Labcorp
Classification: Uncertain significance for Long QT syndrome. Last evaluated: 2023-11-24. Review status: criteria provided, single submitter. Criteria: Invitae Variant Classification Sherloc (09022015). Collection method: clinical testing. Allele origin: germline.
Comment: This sequence change replaces cysteine, which is neutral and slightly polar, with tyrosine, which is neutral and polar, at codon 1015 of the KCNH2 protein (p.Cys1015Tyr). This variant is present in population databases (no rsID available, gnomAD 0.006%). This variant has not been reported in the literature in individuals affected with KCNH2-related conditions. ClinVar contains an entry for this variant (Variation ID: 1381425). An algorithm developed to predict the effect of missense changes on protein structure and function (PolyPhen-2) suggests that this variant is likely to be disruptive. In summary, the available evidence is currently insufficient to determine the role of this variant in disease. Therefore, it has been classified as a Variant of Uncertain Significance.

NM_000238.4(KCNH2):c.3044G>A (p.Cys1015Tyr)

Gene: KCNH2 (potassium voltage-gated channel subfamily H member 2; minus strand). Cytogenetic location: 7q36.1.
Variant type: single nucleotide variant.
Coding change: c.3044G>A on transcript NM_000238.4 (MANE Select); coding-DNA position 3044, G replaced by A.
Protein change: p.Cys1015Tyr; replaces cysteine 1015 with tyrosine.
Molecular consequence: missense variant.
Genome position (GRCh38, 1-based): chr7:150,947,436, C>T on the plus strand (G>A on the coding strand, the complement: KCNH2 is on the minus strand). VCF-style: chr7-150947436-C-T. GRCh37 (hg19) VCF-style: chr7-150644524-C-T.
Other names: c.2024G>A, p.Cys675Tyr (NM_172057.3); short protein forms C1015Y, C675Y.
Identifiers: ClinVar variation 1381425 (VCV001381425.8), dbSNP rs1290300549, ClinGen allele CA369852832.